The following is an entry in ClinVar:

ClinVar aggregate classification (germline): Uncertain significance (1 of 4 stars; one submission).

Conditions:
Wilson disease (WND). Also called: Wilson's disease. Identifiers: Orphanet 905, MedGen C0019202, MONDO:0010200, OMIM 277900. Disease mechanism: loss of function.

Allele frequency attached by ClinVar (database versions not stated): gnomAD exomes below 0.00001; ExAC 0.00001.
gnomAD v4.1: 4 of 1,614,170 alleles (0.00025%); highest among the groups gnomAD compares: South Asian, 0.0033%; no homozygotes.

Submission:

All of Us Research Program, National Institutes of Health
Classification: Uncertain significance for Wilson disease. Last evaluated: 2023-11-02. Review status: criteria provided, single submitter. Criteria: ACMG Guidelines, 2015. Collection method: clinical testing. Allele origin: germline. Inheritance: Autosomal recessive inheritance. Observed: 1 variant allele, 1 heterozygote.
Comment: This missense variant replaces alanine with valine at codon 1202 of the ATP7B protein. Computational prediction suggests that this variant may have deleterious impact on protein structure and function (internally defined REVEL score threshold >= 0.7, PMID: 27666373). To our knowledge, functional studies have not been reported for this variant. This variant has not been reported in individuals affected with ATP7B-related disorders in the literature. This variant has been identified in 1/249516 chromosomes in the general population by the Genome Aggregation Database (gnomAD). The available evidence is insufficient to determine the role of this variant in disease conclusively. Therefore, this variant is classified as a Variant of Uncertain Significance.

This study involves interpretation of variants in research participants for the purpose of population health screening. Participant phenotype was not available at the time of variant classification. Additional details can be found in publication PMID: 35346344, PMCID: PMC8962531

NM_000053.4(ATP7B):c.3605C>T (p.Ala1202Val)

Gene: ATP7B (ATPase copper transporting beta; minus strand). Cytogenetic location: 13q14.3.
Variant type: single nucleotide variant.
Coding change: c.3605C>T on transcript NM_000053.4 (MANE Select); coding-DNA position 3605, C replaced by T.
Protein change: p.Ala1202Val; replaces alanine 1202 with valine.
Molecular consequence: missense variant.
Genome position (GRCh38, 1-based): chr13:51,939,145, G>A on the plus strand (C>T on the coding strand, the complement: ATP7B is on the minus strand). VCF-style: chr13-51939145-G-A. GRCh37 (hg19) VCF-style: chr13-52513281-G-A.
Other names: c.2984C>T, p.Ala995Val (NM_001005918.3); c.3272C>T, p.Ala1091Val (NM_001243182.2); c.3371C>T, p.Ala1124Val (NM_001330578.2, NM_001406527.1, NM_001406528.1); c.3353C>T, p.Ala1118Val (NM_001330579.2, NM_001406531.1, NM_001406532.1); c.3605C>T, p.Ala1202Val (NM_001406511.1, NM_001406512.1, NM_001406526.1); c.3599C>T, p.Ala1200Val (NM_001406513.1); c.3572C>T, p.Ala1191Val (NM_001406514.1); c.3551C>T, p.Ala1184Val (NM_001406515.1, NM_001406516.1); and 20 more; short protein forms A1154V, A1157V, A1170V, A1184V, A1008V, A1038V, A1040V, A1053V.
Identifiers: ClinVar variation 3074411 (VCV003074411.1), dbSNP rs778719442, ClinGen allele CA6988625.
Genomic context (GRCh38, chr13:51,939,145, plus strand): 5'-TCCCCCGTGATCAGAACCACGTCCACACCCATGCTCTGCAGCGTGTGCACAGCCAGGGCA[G>A]CCTCCTGCTTGACAGCGTCTGCGATTGCGATCATCCCACAGAGCACACCTGGAGCGAACC-3'
Protein context (NP_000044.2, residues 1192-1212): IAIADAVKQE[Ala1202Val]ALAVHTLQSM